The following is an entry in ClinVar:

ClinVar aggregate classification (germline): Uncertain significance (1 of 4 stars; one submission).

Submission:

GeneDx
Classification: Uncertain significance. Last evaluated: 2024-05-19. Review status: criteria provided, single submitter. Criteria: GeneDx Variant Classification Process June 2021. Collection method: clinical testing. Allele origin: germline. Affected: yes.
Comment: Not observed at significant frequency in large population cohorts (gnomAD); In silico analysis supports that this missense variant has a deleterious effect on protein structure/function; Has not been previously published as pathogenic or benign to our knowledge

NM_001003694.2(BRPF1):c.778A>C (p.Ser260Arg)

Gene: BRPF1 (bromodomain and PHD finger containing 1; plus strand). Cytogenetic location: 3p25.3.
Variant type: single nucleotide variant.
Coding change: c.778A>C on transcript NM_001003694.2 (MANE Select); coding-DNA position 778, A replaced by C.
Protein change: p.Ser260Arg; replaces serine 260 with arginine.
Molecular consequence: missense variant. On other transcripts: non-coding transcript variant (1).
Genome position (GRCh38, 1-based): chr3:9,739,177, A>C. VCF-style: chr3-9739177-A-C. GRCh37 (hg19) VCF-style: chr3-9780861-A-C.
Other names: c.778A>C, p.Ser260Arg (NM_001319049.2, NM_001319050.2, NM_004634.3); short protein forms S260R.
Identifiers: ClinVar variation 1311573 (VCV001311573.3), dbSNP rs2125500233, ClinGen allele CA351684847.